The following is an entry in ClinVar:

NM_000059.4(BRCA2):c.8950T>A (p.Ser2984Thr)

Gene: BRCA2 (BRCA2 DNA repair associated; plus strand). Cytogenetic location: 13q13.1.
Variant type: single nucleotide variant.
Coding change: c.8950T>A on transcript NM_000059.4 (MANE Select); coding-DNA position 8950, T replaced by A.
Protein change: p.Ser2984Thr; replaces serine 2984 with threonine.
Molecular consequence: missense variant.
Genome position (GRCh38, 1-based): chr13:32,379,512, T>A. VCF-style: chr13-32379512-T-A. GRCh37 (hg19) VCF-style: chr13-32953649-T-A.
Other names: short protein forms S2984T.
Identifiers: ClinVar variation 231955 (VCV000231955.9), dbSNP rs876659461, ClinGen allele CA10579803.

ClinVar aggregate classification (germline): Uncertain significance. Review status: criteria provided, multiple submitters, no conflicts (2 of 4 stars). 2 submissions from 2 submitters: Uncertain significance (2). Last evaluated 2025-09-03.

Conditions:
Hereditary cancer-predisposing syndrome. Also called: Neoplastic Syndromes, Hereditary; Tumor predisposition; Hereditary Cancer Syndrome; Hereditary neoplastic syndrome. Identifiers: Orphanet 140162, MedGen C0027672, MeSH D009386, MONDO:0015356.
Hereditary breast ovarian cancer syndrome. Also called: BRCA1- and BRCA2-Associated Hereditary Breast and Ovarian Cancer; Hereditary breast and ovarian cancer syndrome; Hereditary breast and ovarian cancer; Hereditary breast and ovarian cancer syndrome (HBOC); Breast and ovarian cancer; Hereditary breast and/or ovarian cancer syndrome. Identifiers: Orphanet 145, MedGen C0677776, MeSH D061325, MONDO:0003582. Disease mechanism: loss of function.

Submissions (2):

Ambry Genetics
Classification: Uncertain significance for Hereditary cancer-predisposing syndrome. Last evaluated: 2025-09-03. Review status: criteria provided, single submitter. Criteria: Ambry Variant Classification Scheme 2023. Collection method: clinical testing. Allele origin: germline.
Comment: The p.S2984T variant (also known as c.8950T>A), located in coding exon 21 of the BRCA2 gene, results from a T to A substitution at nucleotide position 8950. The serine at codon 2984 is replaced by threonine, an amino acid with similar properties. This amino acid position is well conserved in available vertebrate species. In addition, the in silico prediction for this alteration is inconclusive. Based on the available evidence, the clinical significance of this variant remains unclear.

Labcorp Genetics (formerly Invitae), Labcorp
Classification: Uncertain significance for Hereditary breast ovarian cancer syndrome. Last evaluated: 2024-01-11. Review status: criteria provided, single submitter. Criteria: Invitae Variant Classification Sherloc (09022015). Collection method: clinical testing. Allele origin: germline.
Comment: This sequence change replaces serine, which is neutral and polar, with threonine, which is neutral and polar, at codon 2984 of the BRCA2 protein (p.Ser2984Thr). This variant is not present in population databases (gnomAD no frequency). This variant has not been reported in the literature in individuals affected with BRCA2-related conditions. ClinVar contains an entry for this variant (Variation ID: 231955). Advanced modeling of protein sequence and biophysical properties (such as structural, functional, and spatial information, amino acid conservation, physicochemical variation, residue mobility, and thermodynamic stability) performed at Invitae indicates that this missense variant is not expected to disrupt BRCA2 protein function with a negative predictive value of 95%. In summary, the available evidence is currently insufficient to determine the role of this variant in disease. Therefore, it has been classified as a Variant of Uncertain Significance.